The following is an entry in ClinVar:

ClinVar aggregate classification (germline): Pathogenic/Likely pathogenic. Review status: criteria provided, multiple submitters, no conflicts (2 of 4 stars). 3 submissions from 3 submitters: Pathogenic (2); Likely pathogenic (1). Last evaluated 2025-07-01.

Conditions:
Pheochromocytoma/paraganglioma syndrome 1. Also called: Paraganglioma - glomus jugulare; SDHD-Related Hereditary Paraganglioma-Pheochromocytoma Syndrome; PARAGANGLIOMAS, FAMILIAL NONCHROMAFFIN, 1; PGL 1; Paragangliomas familial 1; PARAGANGLIOMATA. Identifiers: Orphanet 29072, MedGen C3494181, MONDO:0008192, OMIM 168000.
Pheochromocytoma. Also called: MAX-Related Hereditary Paraganglioma-Pheochromocytoma Syndrome. Identifiers: Orphanet 29072, MedGen C0031511, MONDO:0008233, OMIM 171300, HP:0002666.
Carney-Stratakis syndrome. Also called: PARAGANGLIOMA AND GASTROINTESTINAL STROMAL TUMOR. Identifiers: Orphanet 97286, MedGen C1847319, MONDO:0011740, OMIM 606864.
Paragangliomas with sensorineural hearing loss. Identifiers: MedGen C1868633.
Cowden syndrome 3 (CWS3). Identifiers: Orphanet 201, MedGen CN166604, MONDO:0014045.
Hereditary cancer-predisposing syndrome. Also called: Neoplastic Syndromes, Hereditary; Hereditary neoplastic syndrome; Hereditary Cancer Syndrome; Tumor predisposition. Identifiers: Orphanet 140162, MedGen C0027672, MeSH D009386, MONDO:0015356.

Allele frequency attached by ClinVar (database versions not stated): gnomAD exomes below 0.00001; ExAC 0.00001.

Submissions (3):

Labcorp Genetics (formerly Invitae), Labcorp
Classification: Pathogenic for Carney-Stratakis syndrome; Paragangliomas with sensorineural hearing loss; Pheochromocytoma; Cowden syndrome 3. Last evaluated: 2025-07-01. Review status: criteria provided, single submitter. Criteria: Invitae Variant Classification Sherloc (09022015). Collection method: clinical testing. Allele origin: germline.
Comment: This sequence change replaces histidine, which is basic and polar, with arginine, which is basic and polar, at codon 102 of the SDHD protein (p.His102Arg). This variant is present in population databases (rs104894302, gnomAD 0.0009%). This missense change has been observed in individuals with clinical features of hereditary paraganglioma-pheochromocytoma syndrome (PMID: 22025150, 30375904, 36614070). ClinVar contains an entry for this variant (Variation ID: 656860). Invitae Evidence Modeling of protein sequence and biophysical properties (such as structural, functional, and spatial information, amino acid conservation, physicochemical variation, residue mobility, and thermodynamic stability) indicates that this missense variant is expected to disrupt SDHD protein function with a positive predictive value of 95%. This variant disrupts the p.His102 amino acid residue in SDHD. Other variant(s) that disrupt this residue have been determined to be pathogenic (PMID: 10657297, 12811540, 19454582, 22241717). This suggests that this residue is clinically significant, and that variants that disrupt this residue are likely to be disease-causing. For these reasons, this variant has been classified as Pathogenic.

Ambry Genetics
Classification: Pathogenic for Hereditary cancer-predisposing syndrome. Last evaluated: 2024-12-02. Review status: criteria provided, single submitter. Criteria: Ambry Variant Classification Scheme 2023. Collection method: clinical testing. Allele origin: germline.
Comment: The p.H102R pathogenic mutation (also known as c.305A>G), located in coding exon 3 of the SDHD gene, results from an A to G substitution at nucleotide position 305. The histidine at codon 102 is replaced by arginine, an amino acid with highly similar properties. This alteration has been reported in multiple individuals with SDHD-associated disease (Poeppel TD et al. J. Clin. Oncol. 2011 Nov;29(33):e812-5; Shulskaya MV et al. Int. J. Neurosci. 2018 Dec;128(12):1174-1179; Kudryavtseva AV et al. BMC Med Genomics 2019 Mar;12(Suppl 2):39; Pavlov VS et al. BMC Med Genomics, 2020 09;13:125; Snezhkina A et al. Int J Mol Sci, 2022 Dec;24:). This variant was not reported in population-based cohorts in the Genome Aggregation Database (gnomAD). This amino acid position is highly conserved in available vertebrate species. In addition, this alteration is predicted to be deleterious by in silico analysis. Based on the supporting evidence, this variant is interpreted as a disease-causing mutation.

Myriad Genetics, Inc.
Classification: Likely pathogenic for Pheochromocytoma/paraganglioma syndrome 1. Last evaluated: 2024-02-09. Review status: criteria provided, single submitter. Criteria: Myriad Autosomal Dominant, Autosomal Recessive and X-Linked Classification Criteria (2023). Collection method: clinical testing. Allele origin: unknown.
Comment: This variant is considered likely pathogenic. This variant has been reported in multiple individuals with clinical features of gene-specific disease [PMID: 22025150, 35460558, 32948195]. This variant is expected to disrupt protein structure [Myriad internal data].

Literature cited by the submitters: PubMed 22025150 (cited by Labcorp Genetics (formerly Invitae), Labcorp and Myriad Genetics, Inc.); PubMed 30375904 (cited by Labcorp Genetics (formerly Invitae), Labcorp); PubMed 36614070 (cited by Labcorp Genetics (formerly Invitae), Labcorp and Ambry Genetics); PubMed 10657297 (cited by Labcorp Genetics (formerly Invitae), Labcorp); PubMed 12811540 (cited by Labcorp Genetics (formerly Invitae), Labcorp); PubMed 19454582 (cited by Labcorp Genetics (formerly Invitae), Labcorp); PubMed 22241717 (cited by Labcorp Genetics (formerly Invitae), Labcorp); PubMed 32948182 (cited by Ambry Genetics); PubMed 35460558 (cited by Myriad Genetics, Inc.); PubMed 32948195 (cited by Myriad Genetics, Inc.).

NM_003002.4(SDHD):c.305A>G (p.His102Arg)

Gene: SDHD (succinate dehydrogenase complex subunit D; plus strand). Cytogenetic location: 11q23.1.
Variant type: single nucleotide variant.
Coding change: c.305A>G on transcript NM_003002.4 (MANE Select); coding-DNA position 305, A replaced by G.
Protein change: p.His102Arg; replaces histidine 102 with arginine.
Molecular consequence: missense variant. On other transcripts: non-coding transcript variant (1), intron variant (1).
Genome position (GRCh38, 1-based): chr11:112,089,002, A>G. VCF-style: chr11-112089002-A-G. GRCh37 (hg19) VCF-style: chr11-111959726-A-G.
Other names: c.188A>G, p.His63Arg (NM_001276504.2); c.305A>G, p.His102Arg (NM_001276506.2); c.169+1029A>G (NM_001276503.2); short protein forms H102R, H63R.
Identifiers: ClinVar variation 656860 (VCV000656860.11), dbSNP rs104894302, ClinGen allele CA071040.
Genomic context (GRCh38, chr11:112,089,002, plus strand): 5'-CTGCTTATTTGAATCCTTGCTCTGCGATGGACTATTCCCTGGCTGCAGCCCTCACTCTTC[A>G]TGGTCACTGGCAAGTATAGCAATTCCAAATATAGTTGTCTGCTCAGTTTGTTTGCTGTGA-3'
Protein context (NP_002993.1, residues 92-112): DYSLAAALTL[His102Arg]GHWGLGQVVT